The following is an entry in ClinVar:

NM_001172509.2(SATB2):c.1515_1516insA (p.Ala506fs)

Gene: SATB2 (SATB homeobox 2; minus strand). Cytogenetic location: 2q33.1.
Variant type: Insertion.
Coding change: c.1515_1516insA on transcript NM_001172509.2 (MANE Select); coding-DNA positions 1515 to 1516, A inserted.
Protein change: p.Ala506fs; shifts the reading frame from alanine 506.
Molecular consequence: frameshift variant.
Genome position: GRCh38 VCF-style: chr2-199323829-C-CT. GRCh37 (hg19) VCF-style: chr2-200188552-C-CT.
Other names: c.1515_1516insA, p.Ala506fs (NM_001172517.1, NM_015265.4); short protein forms A506fs.
Identifiers: ClinVar variation 452933 (VCV000452933.2), dbSNP rs1553546975, ClinGen allele CA658657197.

ClinVar aggregate classification (germline): Pathogenic (1 of 4 stars; one submission).

Submission:

GeneDx
Classification: Pathogenic. Last evaluated: 2017-10-12. Review status: criteria provided, single submitter. Criteria: GeneDx Variant Classification (06012015). Collection method: clinical testing. Allele origin: germline. Affected: yes.
Comment: The c.1515_1516insA variant in the SATB2 gene has not been reported previously as a pathogenic variant nor as a benign variant, to our knowledge. The c.1515_1516insA variant causes a frameshift starting with codon Alanine 506, changes this amino acid to a Serine residue, and creates a premature Stop codon at position 7 of the new reading frame, denoted p.Ala506SerfsX7. This variant is predicted to cause loss of normal protein function either through protein truncation or nonsense-mediated mRNA decay. The c.1515_1516insA variant is not observed in large population cohorts (Lek et al., 2016). We interpret c.1515_1516insA as a pathogenic variant.